The following is an entry in ClinVar:

ClinVar aggregate classification (germline): Uncertain significance. Review status: criteria provided, multiple submitters, no conflicts (2 of 4 stars). 2 submissions from 2 submitters: Uncertain significance (2). Last evaluated 2025-02-20.

Conditions:
Hereditary pancreatitis (PCTT). Also called: PRSS1-Related Hereditary Pancreatitis; Hereditary chronic pancreatitis. Identifiers: Orphanet 676, MedGen C0238339, MONDO:0008185, OMIM 167800.

Allele frequency attached by ClinVar (database versions not stated): TOPMed below 0.00001; gnomAD exomes 0.00001.
gnomAD v4.1: 3 of 1,614,158 alleles (0.00019%); highest among the groups gnomAD compares: Non-Finnish European, 0.00025%; no homozygotes.

Submissions (2):

Ambry Genetics
Classification: Uncertain significance for Hereditary pancreatitis. Last evaluated: 2025-02-20. Review status: criteria provided, single submitter. Criteria: Ambry Variant Classification Scheme 2023. Collection method: clinical testing. Allele origin: germline.
Comment: The p.D325V variant (also known as c.974A>T), located in coding exon 8 of the CPA1 gene, results from an A to T substitution at nucleotide position 974. The aspartic acid at codon 325 is replaced by valine, an amino acid with highly dissimilar properties. This amino acid position is conserved. In addition, the in silico prediction for this alteration is inconclusive. Since supporting evidence is limited at this time, the clinical significance of this alteration remains unclear.

Labcorp Genetics (formerly Invitae), Labcorp
Classification: Uncertain significance. Last evaluated: 2022-09-10. Review status: criteria provided, single submitter. Criteria: Invitae Variant Classification Sherloc (09022015). Collection method: clinical testing. Allele origin: germline.
Comment: In summary, the available evidence is currently insufficient to determine the role of this variant in disease. Therefore, it has been classified as a Variant of Uncertain Significance. Advanced modeling of protein sequence and biophysical properties (such as structural, functional, and spatial information, amino acid conservation, physicochemical variation, residue mobility, and thermodynamic stability) performed at Invitae indicates that this missense variant is expected to disrupt CPA1 protein function. This variant has not been reported in the literature in individuals affected with CPA1-related conditions. This variant is present in population databases (no rsID available, gnomAD 0.0009%). This sequence change replaces aspartic acid, which is acidic and polar, with valine, which is neutral and non-polar, at codon 325 of the CPA1 protein (p.Asp325Val).

NM_001868.4(CPA1):c.974A>T (p.Asp325Val)

Gene: CPA1 (carboxypeptidase A1; plus strand). Cytogenetic location: 7q32.2.
Variant type: single nucleotide variant.
Coding change: c.974A>T on transcript NM_001868.4 (MANE Select); coding-DNA position 974, A replaced by T.
Protein change: p.Asp325Val; replaces aspartic acid 325 with valine.
Molecular consequence: missense variant.
Genome position (GRCh38, 1-based): chr7:130,385,332, A>T. VCF-style: chr7-130385332-A-T. GRCh37 (hg19) VCF-style: chr7-130025173-A-T.
Other names: c.974A>T (NM_001868.2); short protein forms D325V.
Identifiers: ClinVar variation 1991041 (VCV001991041.7), dbSNP rs1554411842, ClinGen allele CA369283929.